The following is an entry in ClinVar:

ClinVar aggregate classification (germline): Uncertain significance (1 of 4 stars; one submission).

Allele frequency attached by ClinVar (database versions not stated): gnomAD exomes below 0.00001; TOPMed 0.00001.
gnomAD v4.1: 2 of 1,614,130 alleles (0.00012%); highest among the groups gnomAD compares: African/African-American, 0.0013%; no homozygotes.

Submission:

Laboratory for Molecular Medicine, Mass General Brigham Personalized Medicine
Classification: Uncertain significance. Last evaluated: 2018-12-31. Review status: criteria provided, single submitter. Criteria: LMM Criteria. Collection method: clinical testing. Allele origin: germline. Observed: 1 variant allele.
Comment: The p.Gly2710Ser variant in DNAH5 has not been previously reported in individual s with PCD and was absent from large population studies. Computational predictio n tools and conservation analysis suggest that this variant may impact the prote in, though this information is not predictive enough to determine pathogenicity. In summary, the clinical significance of the p.Gly2710Ser variant is uncertain. ACMG/AMP Criteria applied: PP3.

NM_001369.3(DNAH5):c.8128G>A (p.Gly2710Ser)

Gene: DNAH5 (dynein axonemal heavy chain 5; minus strand). Cytogenetic location: 5p15.2.
Variant type: single nucleotide variant.
Coding change: c.8128G>A on transcript NM_001369.3 (MANE Select); coding-DNA position 8128, G replaced by A.
Protein change: p.Gly2710Ser; replaces glycine 2710 with serine.
Molecular consequence: missense variant.
Genome position (GRCh38, 1-based): chr5:13,793,611, C>T on the plus strand (G>A on the coding strand, the complement: DNAH5 is on the minus strand). VCF-style: chr5-13793611-C-T. GRCh37 (hg19) VCF-style: chr5-13793720-C-T.
Other names: short protein forms G2710S.
Identifiers: ClinVar variation 666824 (VCV000666824.4), dbSNP rs1219540537, ClinGen allele CA359221314.
Genomic context (GRCh38, chr5:13,793,611, plus strand): 5'-TGCAATTAAATATAGAGAACTGCCTCTTGAGTCTTTGGGGTATGTCATTGCGTCCACCAC[C>T]AGGATGGATCATGGCTGCCAAAAACTGGATGTCCACGATGCTGGTGAACTCCCCAGGCTT-3'
Protein context (NP_001360.1, residues 2700-2720): IQFLAAMIHP[Gly2710Ser]GGRNDIPQRL